The following is an entry in ClinVar:

ClinVar aggregate classification (germline): Likely benign. Review status: reviewed by expert panel (3 of 4 stars). 5 submissions from 5 submitters: Likely benign (1). 4 of the submissions do not count toward it. Last evaluated 2017-06-29.

Conditions:
Hereditary breast ovarian cancer syndrome. Also called: Breast and ovarian cancer; BRCA1- and BRCA2-Associated Hereditary Breast and Ovarian Cancer; Hereditary breast and ovarian cancer; Hereditary breast and ovarian cancer syndrome (HBOC); Hereditary breast and ovarian cancer syndrome; Hereditary breast and/or ovarian cancer syndrome. Identifiers: Orphanet 145, MedGen C0677776, MeSH D061325, MONDO:0003582. Disease mechanism: loss of function.
Breast-ovarian cancer, familial, susceptibility to, 2 (BROVCA2). Also called: BRCA2 Hereditary Breast and Ovarian Cancer. Identifiers: Orphanet 145, MedGen C2675520, MONDO:0012933, OMIM 612555. Disease mechanism: loss of function.
Hereditary cancer-predisposing syndrome. Also called: Tumor predisposition; Hereditary Cancer Syndrome; Hereditary neoplastic syndrome; Neoplastic Syndromes, Hereditary. Identifiers: Orphanet 140162, MedGen C0027672, MeSH D009386, MONDO:0015356.

Allele frequency attached by ClinVar (database versions not stated): gnomAD exomes below 0.00001; ExAC 0.00001; gnomAD 0.00001; 1000 Genomes Project 0.00020; 1000 Genomes Project 30x 0.00031.
gnomAD v4.1: 5 of 1,613,930 alleles (0.00031%); highest among the groups gnomAD compares: African/African-American, 0.0013%; no homozygotes.

Submissions (5):

Evidence-based Network for the Interpretation of Germline Mutant Alleles (ENIGMA)
Classification: Likely benign for Breast-ovarian cancer, familial, susceptibility to, 2. Last evaluated: 2017-06-29. Review status: reviewed by expert panel. Criteria: ENIGMA BRCA1/2 Classification Criteria (2017-06-29). Collection method: curation. Allele origin: germline.
Comment: Synonymous substitution variant, with low bioinformatic likelihood to result in a splicing aberration (Splicing prior probability 0.02).

Color Diagnostics, LLC DBA Color Health
Classification: Likely benign for Hereditary cancer-predisposing syndrome. Last evaluated: 2023-04-17. Review status: criteria provided, single submitter. Criteria: ACMG Guidelines, 2015. Collection method: clinical testing. Allele origin: germline. Not counted in ClinVar's aggregate classification.

Labcorp Genetics (formerly Invitae), Labcorp
Classification: Likely benign for Hereditary breast ovarian cancer syndrome. Last evaluated: 2022-10-07. Review status: criteria provided, single submitter. Criteria: Invitae Variant Classification Sherloc (09022015). Collection method: clinical testing. Allele origin: germline. Not counted in ClinVar's aggregate classification.

Blueprint Genetics
Classification: Likely benign. Last evaluated: 2019-03-29. Review status: criteria provided, single submitter. Criteria: ACMG Guidelines, 2015. Collection method: clinical testing. Allele origin: germline. Not counted in ClinVar's aggregate classification.

Ambry Genetics
Classification: Likely benign for Hereditary cancer-predisposing syndrome. Last evaluated: 2018-09-30. Review status: criteria provided, single submitter. Criteria: Ambry Variant Classification Scheme 2023. Collection method: clinical testing. Allele origin: germline. Not counted in ClinVar's aggregate classification.

NM_000059.4(BRCA2):c.2097G>A (p.Gln699=)

Gene: BRCA2 (BRCA2 DNA repair associated; plus strand). Cytogenetic location: 13q13.1.
Variant type: single nucleotide variant.
Coding change: c.2097G>A on transcript NM_000059.4 (MANE Select); coding-DNA position 2097, G replaced by A.
Protein change: p.Gln699=; no amino-acid change (glutamine 699 retained).
Molecular consequence: synonymous variant.
Genome position (GRCh38, 1-based): chr13:32,336,452, G>A. VCF-style: chr13-32336452-G-A. GRCh37 (hg19) VCF-style: chr13-32910589-G-A.
Identifiers: ClinVar variation 427436 (VCV000427436.15), dbSNP rs80358486, ClinGen allele CA6940579.